The following is an entry in ClinVar:

ClinVar aggregate classification (germline): Uncertain significance. Review status: criteria provided, multiple submitters, no conflicts (2 of 4 stars). 2 submissions from 2 submitters: Uncertain significance (2). Last evaluated 2025-02-01.

Conditions:
Inborn genetic diseases. Identifiers: MedGen C0950123, MeSH D030342.

gnomAD v4.1: 1 of 1,612,884 alleles (0.000062%); no homozygotes.

Submissions (2):

Ambry Genetics
Classification: Uncertain significance for Inborn genetic diseases. Last evaluated: 2025-02-01. Review status: criteria provided, single submitter. Criteria: Ambry Variant Classification Scheme 2023. Collection method: clinical testing. Allele origin: germline.
Comment: The p.G195V variant (also known as c.584G>T), located in coding exon 5 of the HAX1 gene, results from a G to T substitution at nucleotide position 584. The glycine at codon 195 is replaced by valine, an amino acid with dissimilar properties. This amino acid position is conserved. In addition, this alteration is predicted to be deleterious by in silico analysis. Based on the available evidence, the clinical significance of this variant remains unclear.

Blueprint Genetics
Classification: Uncertain significance. Last evaluated: 2023-04-25. Review status: criteria provided, single submitter. Criteria: ACMG Guidelines, 2015. Collection method: clinical testing. Allele origin: germline.

NM_006118.4(HAX1):c.584G>T (p.Gly195Val)

Gene: HAX1 (HCLS1 associated protein X-1; plus strand). Cytogenetic location: 1q21.3.
Variant type: single nucleotide variant.
Coding change: c.584G>T on transcript NM_006118.4 (MANE Select); coding-DNA position 584, G replaced by T.
Protein change: p.Gly195Val; replaces glycine 195 with valine.
Molecular consequence: missense variant.
Genome position (GRCh38, 1-based): chr1:154,275,181, G>T. VCF-style: chr1-154275181-G-T. GRCh37 (hg19) VCF-style: chr1-154247657-G-T.
Other names: c.440G>T, p.Gly147Val (NM_001018837.2); short protein forms G147V, G195V.
Identifiers: ClinVar variation 3856880 (VCV003856880.2).